The following is an entry in ClinVar:

NM_004387.4(NKX2-5):c.106C>A (p.Arg36Ser)

Gene: NKX2-5 (NK2 homeobox 5; minus strand). Cytogenetic location: 5q35.1.
Variant type: single nucleotide variant.
Coding change: c.106C>A on transcript NM_004387.4 (MANE Select); coding-DNA position 106, C replaced by A.
Protein change: p.Arg36Ser; replaces arginine 36 with serine.
Molecular consequence: missense variant.
Genome position (GRCh38, 1-based): chr5:173,234,978, G>T on the plus strand (C>A on the coding strand, the complement: NKX2-5 is on the minus strand). VCF-style: chr5-173234978-G-T. GRCh37 (hg19) VCF-style: chr5-172661981-G-T.
Other names: c.106C>A, p.Arg36Ser (NM_001166175.2, NM_001166176.2); short protein forms R36S.
Identifiers: ClinVar variation 3338848 (VCV003338848.1).

ClinVar aggregate classification (germline): Uncertain significance (1 of 4 stars; one submission).

Submission:

GeneDx
Classification: Uncertain significance. Last evaluated: 2023-05-22. Review status: criteria provided, single submitter. Criteria: GeneDx Variant Classification Process June 2021. Collection method: clinical testing. Allele origin: germline. Affected: yes.
Comment: Identified in a patient with a ventricular septal defect (Liu et al., 2009); Not observed at significant frequency in large population cohorts (gnomAD); In silico analysis supports that this missense variant has a deleterious effect on protein structure/function; This variant is associated with the following publications: (PMID: 20137692)